The following is an entry in ClinVar:

NM_001211.6(BUB1B):c.3062G>T (p.Gly1021Val)

Genes: BUB1B (BUB1 mitotic checkpoint serine/threonine kinase B; plus strand), BUB1B-PAK6 (BUB1B-PAK6 readthrough; plus strand). Cytogenetic location: 15q15.1.
Variant type: single nucleotide variant.
Coding change: c.3062G>T on transcript NM_001211.6 (MANE Select); coding-DNA position 3062, G replaced by T.
Protein change: p.Gly1021Val; replaces glycine 1021 with valine.
Molecular consequence: missense variant. On other transcripts: intron variant (2).
Genome position (GRCh38, 1-based): chr15:40,220,668, G>T. VCF-style: chr15-40220668-G-T. GRCh37 (hg19) VCF-style: chr15-40512869-G-T.
Other names: c.-201+3001G>T (NM_001128628.3); c.-118+3001G>T (NM_001128629.3); short protein forms G1021V.
Identifiers: ClinVar variation 4754021 (VCV004754021.1).

ClinVar aggregate classification (germline): Uncertain significance (1 of 4 stars; one submission).

Conditions:
Mosaic variegated aneuploidy syndrome 1 (MVA1). Also called: Warburton-Anyane-Yeboa syndrome. Identifiers: Orphanet 1052, MedGen C1850343, MONDO:0009759, OMIM 257300.

Submission:

Labcorp Genetics (formerly Invitae), Labcorp
Classification: Uncertain significance for Mosaic variegated aneuploidy syndrome 1. Last evaluated: 2025-02-17. Review status: criteria provided, single submitter. Criteria: Invitae Variant Classification Sherloc (09022015). Collection method: clinical testing. Allele origin: germline.
Comment: This sequence change replaces glycine, which is neutral and non-polar, with valine, which is neutral and non-polar, at codon 1021 of the BUB1B protein (p.Gly1021Val). This variant is not present in population databases (gnomAD no frequency). This variant has not been reported in the literature in individuals affected with BUB1B-related conditions. An algorithm developed to predict the effect of missense changes on protein structure and function (PolyPhen-2) suggests that this variant is likely to be tolerated. In summary, the available evidence is currently insufficient to determine the role of this variant in disease. Therefore, it has been classified as a Variant of Uncertain Significance.